The following is an entry in ClinVar:

ClinVar aggregate classification (germline): Benign. Review status: criteria provided, multiple submitters, no conflicts (2 of 4 stars). 11 submissions from 11 submitters: Benign (9). 2 of the submissions do not count toward it. Last evaluated 2026-02-04.

Conditions:
Cardiovascular phenotype. Identifiers: MedGen CN230736.
Catecholaminergic polymorphic ventricular tachycardia 1. Also called: VENTRICULAR TACHYCARDIA, STRESS-INDUCED POLYMORPHIC 1; VENTRICULAR TACHYCARDIA, CATECHOLAMINERGIC POLYMORPHIC, 1, WITH OR WITHOUT ATRIAL DYSFUNCTION AND/OR DILATED CARDIOMYOPATHY; RYR2-Related Catecholaminergic Polymorphic Ventricular Tachycardia. Identifiers: Orphanet 3286, MedGen C1631597, MONDO:0011484, OMIM 604772.

Allele frequency attached by ClinVar (database versions not stated): gnomAD 0.03173 and 0.03253; ESP Exome Variant Server 0.03696; gnomAD exomes 0.04506 and 0.03171; ExAC 0.05190; 1000 Genomes Project 0.01637; 1000 Genomes Project 30x 0.01749; TOPMed 0.03161.
gnomAD v4.1: 69,724 of 1,599,324 alleles (4.4%); highest among the groups gnomAD compares: Non-Finnish European, 5.2%; 1,732 homozygotes.

Submissions (13):

Labcorp Genetics (formerly Invitae), Labcorp
Classification: Benign for Catecholaminergic polymorphic ventricular tachycardia 1. Last evaluated: 2026-02-04. Review status: criteria provided, single submitter. Criteria: Invitae Variant Classification Sherloc (09022015). Collection method: clinical testing. Allele origin: germline.

Molecular Diagnostic Laboratory for Inherited Cardiovascular Disease, Montreal Heart Institute
Classification: Benign. Last evaluated: 2025-04-09. Review status: criteria provided, single submitter. Criteria: ACMG Guidelines, 2015. Collection method: clinical testing. Allele origin: germline. Affected: no.

Blueprint Genetics
Classification: Benign. Last evaluated: 2024-11-27. Review status: criteria provided, single submitter. Criteria: ACMG Guidelines, 2015. Collection method: clinical testing. Allele origin: germline.

Women's Health and Genetics/Laboratory Corporation of America, LabCorp
Classification: Benign. Last evaluated: 2023-04-04. Review status: criteria provided, single submitter. Criteria: LabCorp Variant Classification Summary - May 2015. Collection method: clinical testing. Allele origin: germline.

Mayo Clinic Laboratories, Mayo Clinic
Classification: Benign. Last evaluated: 2023-02-03. Review status: criteria provided, single submitter. Criteria: ACMG Guidelines, 2015. Collection method: clinical testing. Allele origin: germline. Observed: 71 variant alleles.
Comment: BS1, BS2

GeneDx
Classification: Benign. Last evaluated: 2016-10-03. Review status: criteria provided, single submitter. Criteria: GeneDx Variant Classification (06012015). Collection method: clinical testing. Allele origin: germline. Affected: yes.
Comment: This variant is considered likely benign or benign based on one or more of the following criteria: it is a conservative change, it occurs at a poorly conserved position in the protein, it is predicted to be benign by multiple in silico algorithms, and/or has population frequency not consistent with disease.

Ambry Genetics
Classification: Benign for Cardiovascular phenotype. Last evaluated: 2015-03-09. Review status: criteria provided, single submitter. Criteria: Ambry Variant Classification Scheme 2023. Collection method: clinical testing. Allele origin: germline.

Laboratory for Molecular Medicine, Mass General Brigham Personalized Medicine
Classification: Benign. Last evaluated: 2014-11-24. Review status: criteria provided, single submitter. Criteria: LMM Criteria. Collection method: clinical testing. Allele origin: germline. Observed: 43 variant alleles.
Comment: 1105+5G>A in intron 13 of TRDN: This variant is not expected to have clinical si gnificance because it has been identified in 4.8% (393/8134) of European America n chromosomes from a broad population by the NHLBI Exome Sequencing Project (dbSNP rs41284430).

PreventionGenetics, part of Exact Sciences
Classification: Benign. Review status: criteria provided, single submitter. Criteria: ACMG Guidelines, 2015. Collection method: clinical testing. Allele origin: germline.

Clinical Genetics, Academic Medical Center
Classification: Benign. Review status: no assertion criteria provided. Collection method: clinical testing. Allele origin: germline. Affected: yes. Study: VKGL Data-share Consensus. Not counted in ClinVar's aggregate classification.

Dr. Peter K. Rogan Lab, Western University
No classification provided (evidence only). Condition: Sarcoma. Review status: no classification provided. Collection method: in vitro. Allele origin: not applicable. Functional consequence: skipped exon. Not counted in ClinVar's aggregate classification.

Dr. Peter K. Rogan Lab, Western University
No classification provided (evidence only). Condition: Sarcoma. Review status: no classification provided. Collection method: in vitro. Allele origin: not applicable. Functional consequence: skipped exon, retained intron. Not counted in ClinVar's aggregate classification.

Joint Genome Diagnostic Labs from Nijmegen and Maastricht, Radboudumc and MUMC+
Classification: Benign. Review status: no assertion criteria provided. Collection method: clinical testing. Allele origin: germline. Affected: yes. Study: VKGL Data-share Consensus. Not counted in ClinVar's aggregate classification.

NM_006073.4(TRDN):c.1105+5G>A

Gene: TRDN (triadin; minus strand). Cytogenetic location: 6q22.31.
Variant type: single nucleotide variant.
Coding change: c.1105+5G>A on transcript NM_006073.4 (MANE Select); 5 bases into the intron after coding-DNA position 1105, G replaced by A.
Molecular consequence: intron variant.
Genome position (GRCh38, 1-based): chr6:123,393,619, C>T on the plus strand (G>A on the coding strand, the complement: TRDN is on the minus strand). VCF-style: chr6-123393619-C-T. GRCh37 (hg19) VCF-style: chr6-123714764-C-T.
Other names: c.1108+5G>A (NM_001251987.2).
Identifiers: ClinVar variation 227105 (VCV000227105.29), dbSNP rs41284430, ClinGen allele CA3984131.
Genomic context (GRCh38, chr6:123,393,619, plus strand): 5'-TTGTCAATAAAGTGCTATAGATGTTTAAAAAAAGGCAATGCTTTTTAAAGTGTTTTATTG[C>T]TTACCTTGTGCTGCAATTTTTACAGTCCCTTGTTTGGTTTCAGAAGCTTTTCCCGGCTCT-3'